The following is an entry in ClinVar:

ClinVar aggregate classification (germline): Pathogenic. Review status: reviewed by expert panel (3 of 4 stars). 2 submissions from 2 submitters: Pathogenic (1). 1 of the submissions does not count toward it. Last evaluated 2016-10-18.

Conditions:
Breast-ovarian cancer, familial, susceptibility to, 1 (BROVCA1). Also called: BRCA1 Hereditary Breast and Ovarian Cancer; OVARIAN CANCER, SUSCEPTIBILITY TO. Identifiers: Orphanet 145, MedGen C2676676, MONDO:0011450, OMIM 604370. Disease mechanism: loss of function.

Submissions (2):

Evidence-based Network for the Interpretation of Germline Mutant Alleles (ENIGMA)
Classification: Pathogenic for Breast-ovarian cancer, familial, susceptibility to, 1. Last evaluated: 2016-10-18. Review status: reviewed by expert panel. Criteria: ENIGMA BRCA1/2 Classification Criteria (2015). Collection method: curation. Allele origin: germline.
Comment: Variant allele predicted to encode a truncated non-functional protein.

Consortium of Investigators of Modifiers of BRCA1/2 (CIMBA), c/o University of Cambridge
Classification: Pathogenic for Breast-ovarian cancer, familial, susceptibility to, 1. Last evaluated: 2015-10-02. Review status: criteria provided, single submitter. Criteria: CIMBA Mutation Classification guidelines May 2016. Collection method: clinical testing. Allele origin: germline. Not counted in ClinVar's aggregate classification.

NM_007294.4(BRCA1):c.778_779dup (p.Tyr261fs)

Gene: BRCA1 (BRCA1 DNA repair associated; minus strand). Cytogenetic location: 17q21.31.
Variant type: Duplication.
Coding change: c.778_779dup on transcript NM_007294.4 (MANE Select); coding-DNA positions 778 to 779, 2 bases duplicated (AA; older notation c.778_779dupAA).
Protein change: p.Tyr261fs; shifts the reading frame from tyrosine 261.
Molecular consequence: frameshift variant. On other transcripts: non-coding transcript variant (1).
Genome position (GRCh38, 1-based): chr17:43,094,752-43,094,753, TT duplicated on the plus strand (AA on the coding strand, the reverse complement: BRCA1 is on the minus strand); duplicating any 2 consecutive bases within chr17:43,094,752-43,094,755 gives the same sequence; the c. name uses the placement nearest the transcript's 3' end. VCF-style (leftmost placement, unchanged base first): chr17-43094751-C-CTT. GRCh37 (hg19) VCF-style: chr17-41246768-C-CTT.
Other names: 897_898dupAA; c.778_779dup, p.Tyr261fs (NM_007294.3, NM_007299.4, NM_007300.4); c.563_564dup, p.Tyr190Serfs (NM_001407571.1, NM_001407853.1, NM_001407894.1 and 12 more transcripts); c.776_777dup, p.Tyr261Serfs (NM_001407581.1, NM_001407582.1, NM_001407583.1 and 52 more transcripts); c.773_774dup, p.Tyr260Serfs (NM_001407587.1, NM_001407590.1, NM_001407591.1 and 38 more transcripts); c.767_768dup, p.Tyr258Serfs (NM_001407646.1, NM_001407647.1, NM_001408408.1); c.653_654dup, p.Tyr220Serfs (NM_001407648.1, NM_001407664.1, NM_001407665.1 and 34 more transcripts); c.650_651dup, p.Tyr219Serfs (NM_001407649.1, NM_001407670.1, NM_001407671.1 and 20 more transcripts); and 17 more; short protein forms Y214fs, Y261fs.
Identifiers: ClinVar variation 266577 (VCV000266577.6), dbSNP rs886040317, ClinGen allele CA10589995.
Genomic context (GRCh38, chr17:43,094,751, plus strand): 5'-GGCATGAGTATTTGTGCCACATGGCTCCACATGCAAGTTTGAAACAGAACTACCCTGATA[C>CTT]TTTTCTGGATGCCTCTCAGCTGCACGCTTCTCAGTGGTGTTCAAATCATTATTACTGGGT-3'